The following is an entry in ClinVar:

ClinVar aggregate classification (germline): Uncertain significance (1 of 4 stars; one submission).

Conditions:
ANKZF1-related disorder. Also called: ANKZF1-related condition.

Submission:

PreventionGenetics, part of Exact Sciences
Classification: Uncertain significance for ANKZF1-related condition. Last evaluated: 2022-11-10. Review status: criteria provided, single submitter. Criteria: ACMG Guidelines, 2015. Collection method: clinical testing. Allele origin: germline.
Comment: The ANKZF1 c.659C>G variant is predicted to result in the amino acid substitution p.Ala220Gly. To our knowledge, this variant has not been reported in the literature or in a large population database, indicating this variant is rare. At this time, the clinical significance of this variant is uncertain due to the absence of conclusive functional and genetic evidence.

NM_018089.3(ANKZF1):c.659C>G (p.Ala220Gly)

Gene: ANKZF1 (ankyrin repeat and zinc finger peptidyl tRNA hydrolase 1; plus strand). Cytogenetic location: 2q35.
Variant type: single nucleotide variant.
Coding change: c.659C>G on transcript NM_018089.3 (MANE Select); coding-DNA position 659, C replaced by G.
Protein change: p.Ala220Gly; replaces alanine 220 with glycine.
Molecular consequence: missense variant.
Genome position (GRCh38, 1-based): chr2:219,233,179, C>G. VCF-style: chr2-219233179-C-G. GRCh37 (hg19) VCF-style: chr2-220097901-C-G.
Other names: c.659C>G, p.Ala220Gly (NM_001042410.2); c.29C>G, p.Ala10Gly (NM_001282792.2); short protein forms A10G, A220G.
Identifiers: ClinVar variation 2635374 (VCV002635374.1), dbSNP rs2544917749, ClinGen allele CA350674698.